The following is an entry in ClinVar:

NM_021927.3(GUF1):c.559C>G (p.Leu187Val)

Gene: GUF1 (GTP binding elongation factor GUF1; plus strand). Cytogenetic location: 4p12.
Variant type: single nucleotide variant.
Coding change: c.559C>G on transcript NM_021927.3 (MANE Select); coding-DNA position 559, C replaced by G.
Protein change: p.Leu187Val; replaces leucine 187 with valine.
Molecular consequence: missense variant. On other transcripts: 5 prime UTR variant (2).
Genome position (GRCh38, 1-based): chr4:44,682,385, C>G. VCF-style: chr4-44682385-C-G. GRCh37 (hg19) VCF-style: chr4-44684402-C-G.
Other names: c.-410C>G (NM_001345867.2); c.559C>G, p.Leu187Val (NM_001345868.2); c.-414C>G (NM_001345869.2); short protein forms L187V.
Identifiers: ClinVar variation 1722223 (VCV001722223.5), dbSNP rs2545492197, ClinGen allele CA356761548.

ClinVar aggregate classification (germline): Uncertain significance (1 of 4 stars; one submission).

Submission:

Labcorp Genetics (formerly Invitae), Labcorp
Classification: Uncertain significance. Last evaluated: 2023-02-06. Review status: criteria provided, single submitter. Criteria: Invitae Variant Classification Sherloc (09022015). Collection method: clinical testing. Allele origin: germline.
Comment: In summary, the available evidence is currently insufficient to determine the role of this variant in disease. Therefore, it has been classified as a Variant of Uncertain Significance. Algorithms developed to predict the effect of sequence changes on RNA splicing suggest that this variant may create or strengthen a splice site. Advanced modeling of protein sequence and biophysical properties (such as structural, functional, and spatial information, amino acid conservation, physicochemical variation, residue mobility, and thermodynamic stability) performed at Invitae indicates that this missense variant is not expected to disrupt GUF1 protein function. ClinVar contains an entry for this variant (Variation ID: 1722223). This variant has not been reported in the literature in individuals affected with GUF1-related conditions. This variant is not present in population databases (gnomAD no frequency). This sequence change replaces leucine, which is neutral and non-polar, with valine, which is neutral and non-polar, at codon 187 of the GUF1 protein (p.Leu187Val).